The following is an entry in ClinVar:

ClinVar aggregate classification (germline): Likely benign (1 of 4 stars; one submission).

Conditions:
Cardiomyopathy (CMYO). Also called: Cardiomyopathies. Identifiers: Orphanet 167848, MedGen C0878544, MONDO:0004994, HP:0001638. Inheritance: Various modes of inheritance.

Submission:

All of Us Research Program, National Institutes of Health
Classification: Likely benign for Cardiomyopathy. Last evaluated: 2023-06-26. Review status: criteria provided, single submitter. Criteria: ACMG Guidelines, 2015. Collection method: clinical testing. Allele origin: germline. Inheritance: Autosomal dominant inheritance. Observed: 1 variant allele, 1 heterozygote.
Comment: This study involves interpretation of variants in research participants for the purpose of population health screening. Participant phenotype was not available at the time of variant classification. Additional details can be found in publication PMID: 35346344, PMCID: PMC8962531

NM_000257.4(MYH7):c.5560-9G>C

Gene: MYH7 (myosin heavy chain 7; minus strand). Cytogenetic location: 14q11.2.
Variant type: single nucleotide variant.
Coding change: c.5560-9G>C on transcript NM_000257.4 (MANE Select); 9 bases into the intron before coding-DNA position 5560, G replaced by C.
Molecular consequence: intron variant.
Genome position (GRCh38, 1-based): chr14:23,414,111, C>G on the plus strand (G>C on the coding strand, the complement: MYH7 is on the minus strand). VCF-style: chr14-23414111-C-G. GRCh37 (hg19) VCF-style: chr14-23883320-C-G.
Other names: c.5560-9G>C (NM_001407004.1).
Identifiers: ClinVar variation 3071994 (VCV003071994.1), dbSNP rs1892086504, ClinGen allele CA2825002209.